The following is an entry in ClinVar:

ClinVar aggregate classification (germline): Uncertain significance (1 of 4 stars; one submission).

Allele frequency attached by ClinVar (database versions not stated): gnomAD exomes 0.00001.

Submission:

Labcorp Genetics (formerly Invitae), Labcorp
Classification: Uncertain significance. Last evaluated: 2025-10-01. Review status: criteria provided, single submitter. Criteria: Invitae Variant Classification Sherloc (09022015). Collection method: clinical testing. Allele origin: germline.
Comment: This sequence change replaces arginine, which is basic and polar, with histidine, which is basic and polar, at codon 772 of the KIF20A protein (p.Arg772His). This variant is present in population databases (rs147681099, gnomAD 0.01%). This variant has not been reported in the literature in individuals affected with KIF20A-related conditions. ClinVar contains an entry for this variant (Variation ID: 2181493). An algorithm developed to predict the effect of missense changes on protein structure and function (PolyPhen-2) suggests that this variant is likely to be disruptive. In summary, the available evidence is currently insufficient to determine the role of this variant in disease. Therefore, it has been classified as a Variant of Uncertain Significance.

NM_005733.3(KIF20A):c.2315G>A (p.Arg772His)

Gene: KIF20A (kinesin family member 20A; plus strand). Cytogenetic location: 5q31.2.
Variant type: single nucleotide variant.
Coding change: c.2315G>A on transcript NM_005733.3 (MANE Select); coding-DNA position 2315, G replaced by A.
Protein change: p.Arg772His; replaces arginine 772 with histidine.
Molecular consequence: missense variant.
Genome position (GRCh38, 1-based): chr5:138,186,391, G>A. VCF-style: chr5-138186391-G-A. GRCh37 (hg19) VCF-style: chr5-137522080-G-A.
Other names: short protein forms R772H.
Identifiers: ClinVar variation 2181493 (VCV002181493.4), dbSNP rs147681099, ClinGen allele CA3426884.